The following is an entry in ClinVar:

NM_016204.4(GDF2):c.308C>G (p.Thr103Arg)

Gene: GDF2 (growth differentiation factor 2; plus strand). Cytogenetic location: 10q11.22.
Variant type: single nucleotide variant.
Coding change: c.308C>G on transcript NM_016204.4 (MANE Select); coding-DNA position 308, C replaced by G.
Protein change: p.Thr103Arg; replaces threonine 103 with arginine.
Molecular consequence: missense variant.
Genome position (GRCh38, 1-based): chr10:47,322,976, C>G. VCF-style: chr10-47322976-C-G. GRCh37 (hg19) VCF-style: chr10-48416386-G-C.
Other names: short protein forms T103R.
Identifiers: ClinVar variation 3600438 (VCV003600438.1).

ClinVar aggregate classification (germline): Uncertain significance (1 of 4 stars; one submission).

Conditions:
Telangiectasia, hereditary hemorrhagic, type 5 (HHT5). Identifiers: Orphanet 774, MedGen C3809710, MONDO:0014217, OMIM 615506.

gnomAD v4.1: 22 of 1,606,820 alleles (0.0014%); highest among the groups gnomAD compares: African/African-American, 0.017%; no homozygotes.

Submission:

Clinical Genomics Laboratory, Washington University in St. Louis
Classification: Uncertain significance for Telangiectasia, hereditary hemorrhagic, type 5. Last evaluated: 2024-08-06. Review status: criteria provided, single submitter. Criteria: ACMG Guidelines, 2015. Collection method: clinical testing. Allele origin: germline.
Comment: A GDF2 c.308C>G (p.Thr103Arg) variant was identified at a near heterozygous allelic fraction of 49%, a frequency which may be consistent with it being of germline origin. This variant, to our knowledge, has not been reported in the medical literature. This variant is observed on 22/1,606,820 alleles in the general population (gnomAD v4.1.0). Due to limited information and based on ACMG/AMP guidelines for variant interpretation (Richards S et al., PMID: 25741868), the clinical significance of the GDF2 c.308C>G (p.Thr103Arg) variant is uncertain at this time.